The following is an entry in ClinVar:

NM_006015.6(ARID1A):c.4864G>T (p.Ala1622Ser)

Gene: ARID1A (AT-rich interaction domain 1A; plus strand). Cytogenetic location: 1p36.11.
Variant type: single nucleotide variant.
Coding change: c.4864G>T on transcript NM_006015.6 (MANE Select); coding-DNA position 4864, G replaced by T.
Protein change: p.Ala1622Ser; replaces alanine 1622 with serine.
Molecular consequence: missense variant.
Genome position (GRCh38, 1-based): chr1:26,775,091, G>T. VCF-style: chr1-26775091-G-T. GRCh37 (hg19) VCF-style: chr1-27101582-G-T.
Other names: c.4213G>T, p.Ala1405Ser (NM_139135.4); short protein forms A1405S, A1622S.
Identifiers: ClinVar variation 2985858 (VCV002985858.3), dbSNP rs1570616831, ClinGen allele CA339178948.

ClinVar aggregate classification (germline): Uncertain significance (1 of 4 stars; one submission).

Allele frequency attached by ClinVar (database versions not stated): gnomAD 0.00001.
gnomAD v4.1: 1 of 1,612,788 alleles (0.000062%); highest among the groups gnomAD compares: Non-Finnish European, 0.000085%; no homozygotes.

Submission:

Labcorp Genetics (formerly Invitae), Labcorp
Classification: Uncertain significance. Last evaluated: 2024-01-05. Review status: criteria provided, single submitter. Criteria: Invitae Variant Classification Sherloc (09022015). Collection method: clinical testing. Allele origin: germline.
Comment: This sequence change replaces alanine, which is neutral and non-polar, with serine, which is neutral and polar, at codon 1622 of the ARID1A protein (p.Ala1622Ser). This variant is not present in population databases (gnomAD no frequency). This variant has not been reported in the literature in individuals affected with ARID1A-related conditions. Advanced modeling of protein sequence and biophysical properties (such as structural, functional, and spatial information, amino acid conservation, physicochemical variation, residue mobility, and thermodynamic stability) performed at Invitae indicates that this missense variant is not expected to disrupt ARID1A protein function with a negative predictive value of 80%. In summary, the available evidence is currently insufficient to determine the role of this variant in disease. Therefore, it has been classified as a Variant of Uncertain Significance.